The following is an entry in ClinVar:

NM_002500.5(NEUROD1):c.67A>T (p.Thr23Ser)

Gene: NEUROD1 (neuronal differentiation 1; minus strand). Cytogenetic location: 2q31.3.
Variant type: single nucleotide variant.
Coding change: c.67A>T on transcript NM_002500.5 (MANE Select); coding-DNA position 67, A replaced by T.
Protein change: p.Thr23Ser; replaces threonine 23 with serine.
Molecular consequence: missense variant.
Genome position (GRCh38, 1-based): chr2:181,678,794, T>A on the plus strand (A>T on the coding strand, the complement: NEUROD1 is on the minus strand). VCF-style: chr2-181678794-T-A. GRCh37 (hg19) VCF-style: chr2-182543521-T-A.
Other names: short protein forms T23S.
Identifiers: ClinVar variation 1060006 (VCV001060006.9), dbSNP rs759618264, ClinGen allele CA2011194.

ClinVar aggregate classification (germline): Uncertain significance (1 of 4 stars; one submission).

Allele frequency attached by ClinVar (database versions not stated): ExAC 0.00001; gnomAD exomes 0.00001 and 0.00002.
gnomAD v4.1: 3 of 1,614,096 alleles (0.00019%); highest among the groups gnomAD compares: Admixed American, 0.005%; no homozygotes.

Submission:

Labcorp Genetics (formerly Invitae), Labcorp
Classification: Uncertain significance. Last evaluated: 2020-03-16. Review status: criteria provided, single submitter. Criteria: Invitae Variant Classification Sherloc (09022015). Collection method: clinical testing. Allele origin: germline.
Comment: This sequence change replaces threonine with serine at codon 23 of the NEUROD1 protein (p.Thr23Ser). The threonine residue is moderately conserved and there is a small physicochemical difference between threonine and serine. This variant is present in population databases (rs759618264, ExAC 0.009%). This variant has not been reported in the literature in individuals with NEUROD1-related conditions. Algorithms developed to predict the effect of missense changes on protein structure and function (SIFT, PolyPhen-2, Align-GVGD) all suggest that this variant is likely to be tolerated, but these predictions have not been confirmed by published functional studies and their clinical significance is uncertain. Algorithms developed to predict the effect of sequence changes on RNA splicing suggest that this variant may create or strengthen a splice site, but this prediction has not been confirmed by published transcriptional studies. In summary, the available evidence is currently insufficient to determine the role of this variant in disease. Therefore, it has been classified as a Variant of Uncertain Significance.